The following is an entry in ClinVar:

ClinVar aggregate classification (germline): Uncertain significance (1 of 4 stars; one submission).

Allele frequency attached by ClinVar (database versions not stated): ExAC 0.00001.
gnomAD v4.1: 3 of 1,610,438 alleles (0.00019%); highest among the groups gnomAD compares: Non-Finnish European, 0.00025%; no homozygotes.

Submission:

Labcorp Genetics (formerly Invitae), Labcorp
Classification: Uncertain significance. Last evaluated: 2022-05-30. Review status: criteria provided, single submitter. Criteria: Invitae Variant Classification Sherloc (09022015). Collection method: clinical testing. Allele origin: germline.
Comment: In summary, the available evidence is currently insufficient to determine the role of this variant in disease. Therefore, it has been classified as a Variant of Uncertain Significance. Algorithms developed to predict the effect of missense changes on protein structure and function are either unavailable or do not agree on the potential impact of this missense change (SIFT: "Deleterious"; PolyPhen-2: "Benign"; Align-GVGD: "Class C0"). This variant has not been reported in the literature in individuals affected with PPP2CA-related conditions. This variant is present in population databases (rs772521505, gnomAD no frequency). This sequence change replaces serine, which is neutral and polar, with phenylalanine, which is neutral and non-polar, at codon 26 of the PPP2CA protein (p.Ser26Phe).

NM_002715.4(PPP2CA):c.77C>T (p.Ser26Phe)

Genes: MIR3661 (microRNA 3661; plus strand), PPP2CA (protein phosphatase 2 catalytic subunit alpha; minus strand). Cytogenetic location: 5q31.1.
Variant type: single nucleotide variant.
Coding change: c.77C>T on transcript NM_002715.4 (MANE Select); coding-DNA position 77, C replaced by T.
Protein change: p.Ser26Phe; replaces serine 26 with phenylalanine.
Molecular consequence: missense variant. On other transcripts: non-coding transcript variant (1).
Genome position (GRCh38, 1-based): chr5:134,225,785, G>A on the plus strand (C>T on the coding strand, the complement: PPP2CA is on the minus strand). VCF-style: chr5-134225785-G-A. GRCh37 (hg19) VCF-style: chr5-133561476-G-A.
Other names: short protein forms S26F.
Identifiers: ClinVar variation 2001136 (VCV002001136.4), dbSNP rs772521505, ClinGen allele CA3412911.